The following is an entry in ClinVar:

ClinVar aggregate classification (germline): Likely benign. Review status: criteria provided, multiple submitters, no conflicts (2 of 4 stars). 4 submissions from 4 submitters: Likely benign (4). Last evaluated 2025-10-01.

Allele frequency attached by ClinVar (database versions not stated): TOPMed 0.00002; gnomAD 0.00004; ESP Exome Variant Server 0.00010.
gnomAD v4.1: 27 of 1,613,766 alleles (0.0017%); highest among the groups gnomAD compares: Non-Finnish European, 0.0022%; no homozygotes.

Submissions (4):

CeGaT Center for Human Genetics Tuebingen
Classification: Likely benign. Last evaluated: 2025-10-01. Review status: criteria provided, single submitter. Criteria: CeGaT Center For Human Genetics Tuebingen Variant Classification Criteria Version 2. Collection method: clinical testing. Allele origin: germline. Affected: yes. Observed: 1 variant allele.
Comment: MEF2C: BP1, BP4

ARUP Laboratories, Molecular Genetics and Genomics, ARUP Laboratories
Classification: Likely benign. Last evaluated: 2024-06-18. Review status: criteria provided, single submitter. Criteria: ARUP Molecular Germline Variant Investigation Process 2024. Collection method: clinical testing. Allele origin: germline.

GeneDx
Classification: Likely benign. Last evaluated: 2021-01-15. Review status: criteria provided, single submitter. Criteria: GeneDx Variant Classification Process June 2021. Collection method: clinical testing. Allele origin: germline. Affected: yes.
Comment: In silico analysis supports that this variant does not alter splicing; Has not been previously published as pathogenic or benign to our knowledge

Blueprint Genetics
Classification: Likely benign. Last evaluated: 2020-02-13. Review status: criteria provided, single submitter. Criteria: ACMG Guidelines, 2015. Collection method: clinical testing. Allele origin: germline.

NM_002397.5(MEF2C):c.402+71G>A

Gene: MEF2C (myocyte enhancer factor 2C; minus strand). Cytogenetic location: 5q14.3.
Variant type: single nucleotide variant.
Coding change: c.402+71G>A on transcript NM_002397.5 (MANE Select); 71 bases into the intron after coding-DNA position 402, G replaced by A.
Molecular consequence: intron variant. On other transcripts: synonymous variant (5).
Genome position (GRCh38, 1-based): chr5:88,761,114, C>T on the plus strand (G>A on the coding strand, the complement: MEF2C is on the minus strand). VCF-style: chr5-88761114-C-T. GRCh37 (hg19) VCF-style: chr5-88056931-C-T.
Other names: c.270G>A, p.Lys90= (NM_001131005.2, NM_001364343.2, NM_001364352.2); c.330G>A, p.Lys110= (NM_001193347.1, NM_001364338.2); c.402+71G>A (NM_001364329.2, NM_001364330.2, NM_001364333.2 and 18 more transcripts); c.259-9071G>A (NM_001364344.2, NM_001364354.2, NM_001364332.2 and 3 more transcripts); c.24+71G>A (NM_001364353.2, NM_001364356.2); c.-24-9071G>A (NM_001364357.2).
Identifiers: ClinVar variation 1215195 (VCV001215195.11), dbSNP rs369779113, ClinGen allele CA3337328.